The following is an entry in ClinVar:

ClinVar aggregate classification (germline): Uncertain significance (1 of 4 stars; one submission).

Allele frequency attached by ClinVar (database versions not stated): gnomAD 0.00001.
gnomAD v4.1: 6 of 1,495,474 alleles (0.0004%); highest among the groups gnomAD compares: Non-Finnish European, 0.00053%; no homozygotes.

Submission:

Ambry Genetics
Classification: Uncertain significance. Last evaluated: 2025-03-20. Review status: criteria provided, single submitter. Criteria: Ambry Variant Classification Scheme 2023. Collection method: clinical testing. Allele origin: germline.
Comment: The p.P13L variant (also known as c.38C>T), located in coding exon 1 of the EGLN1 gene, results from a C to T substitution at nucleotide position 38. The proline at codon 13 is replaced by leucine, an amino acid with similar properties. This amino acid position is conserved. In addition, this alteration is predicted to be tolerated by in silico analysis. Since supporting evidence is limited at this time, the clinical significance of this alteration remains unclear.

NM_022051.3(EGLN1):c.38C>T (p.Pro13Leu)

Gene: EGLN1 (egl-9 family hypoxia inducible factor 1; minus strand). Cytogenetic location: 1q42.2.
Variant type: single nucleotide variant.
Coding change: c.38C>T on transcript NM_022051.3 (MANE Select); coding-DNA position 38, C replaced by T.
Protein change: p.Pro13Leu; replaces proline 13 with leucine.
Molecular consequence: missense variant.
Genome position (GRCh38, 1-based): chr1:231,421,851, G>A on the plus strand (C>T on the coding strand, the complement: EGLN1 is on the minus strand). VCF-style: chr1-231421851-G-A. GRCh37 (hg19) VCF-style: chr1-231557597-G-A.
Other names: c.38C>T, p.Pro13Leu (NM_001377260.1, NM_001377261.1); short protein forms P13L.
Identifiers: ClinVar variation 2457130 (VCV002457130.3), dbSNP rs1394788474, ClinGen allele CA345239377.